The following is an entry in ClinVar:

ClinVar aggregate classification (germline): Benign/Likely benign. Review status: criteria provided, multiple submitters, no conflicts (2 of 4 stars). 3 submissions from 3 submitters: Benign (1); Likely benign (2). Last evaluated 2026-02-02.

Allele frequency attached by ClinVar (database versions not stated): 1000 Genomes Project 30x 0.01140; 1000 Genomes Project 0.01218; TOPMed 0.01624; gnomAD 0.01663; ESP Exome Variant Server 0.02038.
gnomAD v4.1: 38,643 of 1,614,174 alleles (2.4%); highest among the groups gnomAD compares: Non-Finnish European, 2.7%; 576 homozygotes.

Submissions (3):

Labcorp Genetics (formerly Invitae), Labcorp
Classification: Benign. Last evaluated: 2026-02-02. Review status: criteria provided, single submitter. Criteria: Invitae Variant Classification Sherloc (09022015). Collection method: clinical testing. Allele origin: germline.

Mayo Clinic Laboratories, Mayo Clinic
Classification: Likely benign. Last evaluated: 2025-08-01. Review status: criteria provided, single submitter. Criteria: ACMG Guidelines, 2015. Collection method: clinical testing. Allele origin: germline. Observed: 28 variant alleles.
Comment: BS1, BP4, BP7

Blueprint Genetics
Classification: Likely benign. Last evaluated: 2024-11-27. Review status: criteria provided, single submitter. Criteria: ACMG Guidelines, 2015. Collection method: clinical testing. Allele origin: germline.

NM_001130004.2(ACTN1):c.1158C>A (p.Ile386=)

Gene: ACTN1 (actinin alpha 1; minus strand). Cytogenetic location: 14q24.1.
Variant type: single nucleotide variant.
Coding change: c.1158C>A on transcript NM_001130004.2 (MANE Select); coding-DNA position 1158, C replaced by A.
Protein change: p.Ile386=; no amino-acid change (isoleucine 386 retained).
Molecular consequence: synonymous variant.
Genome position (GRCh38, 1-based): chr14:68,890,215, G>T on the plus strand (C>A on the coding strand, the complement: ACTN1 is on the minus strand). VCF-style: chr14-68890215-G-T. GRCh37 (hg19) VCF-style: chr14-69356932-G-T.
Other names: p.Ile386=; c.1158C>A, p.Ile386= (NM_001102.4, NM_001130005.2, NM_001411035.1); c.963C>A, p.Ile321= (NM_001411036.1).
Identifiers: ClinVar variation 2035872 (VCV002035872.6), dbSNP rs1054200, ClinGen allele CA7242452.